The following is an entry in ClinVar:

NM_003611.3(OFD1):c.1086C>G (p.Ile362Met)

Gene: OFD1 (OFD1 centriole and centriolar satellite protein; plus strand). Cytogenetic location: Xp22.2.
Variant type: single nucleotide variant.
Coding change: c.1086C>G on transcript NM_003611.3 (MANE Select); coding-DNA position 1086, C replaced by G.
Protein change: p.Ile362Met; replaces isoleucine 362 with methionine.
Molecular consequence: missense variant.
Genome position (GRCh38, 1-based): chrX:13,753,398, C>G. VCF-style: chrX-13753398-C-G. GRCh37 (hg19) VCF-style: chrX-13771517-C-G.
Other names: c.966C>G, p.Ile322Met (NM_001330209.2); c.666C>G, p.Ile222Met (NM_001330210.2); short protein forms I222M, I362M, I322M.
Identifiers: ClinVar variation 1981889 (VCV001981889.4), dbSNP rs865959540, ClinGen allele CA412341776.

ClinVar aggregate classification (germline): Uncertain significance (1 of 4 stars; one submission).

Conditions:
Joubert syndrome. Also called: CEREBELLOPARENCHYMAL DISORDER IV; JOUBERT-BOLTSHAUSER SYNDROME; Familial aplasia of the vermis. Identifiers: Orphanet 475, MedGen C5979921, MONDO:0018772.
Orofaciodigital syndrome I (OFD1). Also called: OFDS I; Papillon-Leage and Psaume Syndrome; Oral-Facial-Digital Syndrome Type I. Identifiers: Orphanet 2750, MedGen C1510460, MONDO:0010702, OMIM 311200.

Allele frequency attached by ClinVar (database versions not stated): TOPMed below 0.00001; gnomAD 0.00002.

Submission:

Labcorp Genetics (formerly Invitae), Labcorp
Classification: Uncertain significance for Orofaciodigital syndrome I; Joubert syndrome. Last evaluated: 2022-03-19. Review status: criteria provided, single submitter. Criteria: Invitae Variant Classification Sherloc (09022015). Collection method: clinical testing. Allele origin: germline.
Comment: In summary, the available evidence is currently insufficient to determine the role of this variant in disease. Therefore, it has been classified as a Variant of Uncertain Significance. Algorithms developed to predict the effect of missense changes on protein structure and function output the following: SIFT: "Deleterious"; PolyPhen-2: "Possibly Damaging"; Align-GVGD: "Class C0". The methionine amino acid residue is found in multiple mammalian species, which suggests that this missense change does not adversely affect protein function. This variant has not been reported in the literature in individuals affected with OFD1-related conditions. This variant is present in population databases (no rsID available, gnomAD 0.01%). This sequence change replaces isoleucine, which is neutral and non-polar, with methionine, which is neutral and non-polar, at codon 362 of the OFD1 protein (p.Ile362Met).